The following is an entry in ClinVar:

ClinVar aggregate classification (germline): Pathogenic. Review status: criteria provided, multiple submitters, no conflicts (2 of 4 stars). 2 submissions from 2 submitters: Pathogenic (2). Last evaluated 2023-05-26.

Conditions:
Spinocerebellar ataxia type 6 (SCA6). Identifiers: Orphanet 98758, MedGen C0752124, MONDO:0008457, OMIM 183086.

Submissions (2):

Institute of Medical Genetics and Applied Genomics, University Hospital Tübingen
Classification: Pathogenic for Spinocerebellar ataxia type 6. Last evaluated: 2023-05-26. Review status: criteria provided, single submitter. Criteria: ACMG Guidelines, 2015. Collection method: clinical testing. Allele origin: germline. Inheritance: Autosomal dominant inheritance. Affected: yes.

GeneDx
Classification: Pathogenic. Last evaluated: 2023-05-09. Review status: criteria provided, single submitter. Criteria: GeneDx Variant Classification Process June 2021. Collection method: clinical testing. Allele origin: germline. Affected: yes.
Comment: Nonsense variant predicted to result in protein truncation or nonsense mediated decay in a gene for which loss-of-function is a known mechanism of disease; Not observed at significant frequency in large population cohorts (gnomAD); Has not been previously published as pathogenic or benign to our knowledge; This variant is associated with the following publications: (PMID: 27535533)

NM_001127222.2(CACNA1A):c.1984C>T (p.Gln662Ter)

Gene: CACNA1A (calcium voltage-gated channel subunit alpha1 A; minus strand). Cytogenetic location: 19p13.13.
Variant type: single nucleotide variant.
Coding change: c.1984C>T on transcript NM_001127222.2 (MANE Select); coding-DNA position 1984, C replaced by T.
Protein change: p.Gln662Ter; replaces glutamine 662 with a stop codon.
Molecular consequence: nonsense.
Genome position (GRCh38, 1-based): chr19:13,307,784, G>A on the plus strand (C>T on the coding strand, the complement: CACNA1A is on the minus strand). VCF-style: chr19-13307784-G-A. GRCh37 (hg19) VCF-style: chr19-13418598-G-A.
Other names: c.1987C>T, p.Gln663Ter (NM_000068.4, NM_001127221.2, NM_001174080.2 and 1 more transcripts); short protein forms Q663*, Q662*.
Identifiers: ClinVar variation 422557 (VCV000422557.6), dbSNP rs1064795856, ClinGen allele CA16620796.